The following is an entry in ClinVar:

ClinVar aggregate classification (germline): Pathogenic (1 of 4 stars; one submission).

Conditions:
Walker-Warburg congenital muscular dystrophy. Also called: Muscular dystrophy-dystroglycanopathy, type A; Walker-Warburg syndrome. Identifiers: Orphanet 899, MedGen C0265221, MONDO:0000171.

gnomAD v4.1: 1 of 1,614,114 alleles (0.000062%); highest among the groups gnomAD compares: Admixed American, 0.0017%; no homozygotes.

Submission:

Labcorp Genetics (formerly Invitae), Labcorp
Classification: Pathogenic for Walker-Warburg congenital muscular dystrophy. Last evaluated: 2025-12-19. Review status: criteria provided, single submitter. Criteria: Invitae Variant Classification Sherloc (09022015). Collection method: clinical testing. Allele origin: germline.
Comment: This sequence change creates a premature translational stop signal (p.Glu193*) in the FKTN gene. It is expected to result in an absent or disrupted protein product. Loss-of-function variants in FKTN are known to be pathogenic (PMID: 17044012, 17878207, 18752264). This variant is present in population databases (no rsID available, gnomAD 0.003%). This variant has not been reported in the literature in individuals affected with FKTN-related conditions. For these reasons, this variant has been classified as Pathogenic.

Literature cited by the submitters: PubMed 17044012; PubMed 17878207; PubMed 18752264.

NM_001079802.2(FKTN):c.577G>T (p.Glu193Ter)

Gene: FKTN (fukutin; plus strand). Cytogenetic location: 9q31.2.
Variant type: single nucleotide variant.
Coding change: c.577G>T on transcript NM_001079802.2 (MANE Select); coding-DNA position 577, G replaced by T.
Protein change: p.Glu193Ter; replaces glutamic acid 193 with a stop codon.
Molecular consequence: nonsense. On other transcripts: non-coding transcript variant (2).
Genome position (GRCh38, 1-based): chr9:105,604,422, G>T. VCF-style: chr9-105604422-G-T. GRCh37 (hg19) VCF-style: chr9-108366703-G-T.
Other names: c.577G>T, p.Glu193Ter (NM_001198963.2, NM_001351496.2, NM_001351498.2 and 1 more transcripts); c.508G>T, p.Glu170Ter (NM_001351497.2); c.181G>T, p.Glu61Ter (NM_001351499.2, NM_001351500.2, NM_001351501.2 and 1 more transcripts); short protein forms E193*, E61*, E170*.
Identifiers: ClinVar variation 4763489 (VCV004763489.1).
Genomic context (GRCh38, chr9:105,604,422, plus strand): 5'-TTGGTAGTCTTTCATGAGAGGAGTGGCAACTACCTCTGGCACGGCCACTTGAGACTTAAA[G>T]AACACATTGACAGGAAATTTGTTCCCTTCCGAAAGTTACAGTTTGGTCGTTATCCAGGAG-3'